The following is an entry in ClinVar:

NM_002470.4(MYH3):c.2960A>G (p.Asp987Gly)

Gene: MYH3 (myosin heavy chain 3; minus strand). Cytogenetic location: 17p13.1.
Variant type: single nucleotide variant.
Coding change: c.2960A>G on transcript NM_002470.4 (MANE Select); coding-DNA position 2960, A replaced by G.
Protein change: p.Asp987Gly; replaces aspartic acid 987 with glycine.
Molecular consequence: missense variant.
Genome position (GRCh38, 1-based): chr17:10,639,440, T>C on the plus strand (A>G on the coding strand, the complement: MYH3 is on the minus strand). VCF-style: chr17-10639440-T-C. GRCh37 (hg19) VCF-style: chr17-10542757-T-C.
Other names: short protein forms D987G.
Identifiers: ClinVar variation 2732469 (VCV002732469.3), dbSNP rs2508598022, ClinGen allele CA398156124.

ClinVar aggregate classification (germline): Uncertain significance (1 of 4 stars; one submission).

Submission:

Labcorp Genetics (formerly Invitae), Labcorp
Classification: Uncertain significance. Last evaluated: 2023-06-09. Review status: criteria provided, single submitter. Criteria: Invitae Variant Classification Sherloc (09022015). Collection method: clinical testing. Allele origin: germline.
Comment: This variant has not been reported in the literature in individuals affected with MYH3-related conditions. This variant is not present in population databases (gnomAD no frequency). This sequence change replaces aspartic acid, which is acidic and polar, with glycine, which is neutral and non-polar, at codon 987 of the MYH3 protein (p.Asp987Gly). In summary, the available evidence is currently insufficient to determine the role of this variant in disease. Therefore, it has been classified as a Variant of Uncertain Significance. Algorithms developed to predict the effect of sequence changes on RNA splicing suggest that this variant may create or strengthen a splice site. Advanced modeling of protein sequence and biophysical properties (such as structural, functional, and spatial information, amino acid conservation, physicochemical variation, residue mobility, and thermodynamic stability) performed at Invitae indicates that this missense variant is not expected to disrupt MYH3 protein function.